The following is an entry in ClinVar:

NM_000059.4(BRCA2):c.5422_5423del (p.Ile1808fs)

Gene: BRCA2 (BRCA2 DNA repair associated; plus strand). Cytogenetic location: 13q13.1.
Variant type: Microsatellite.
Coding change: c.5422_5423del on transcript NM_000059.4 (MANE Select); coding-DNA positions 5422 to 5423, 2 bases deleted (AT; older notation c.5422_5423delAT).
Protein change: p.Ile1808fs; shifts the reading frame from isoleucine 1808.
Molecular consequence: frameshift variant.
Genome position (GRCh38, 1-based): chr13:32,339,777-32,339,778, AT deleted; deleting any 2 consecutive bases within chr13:32,339,775-32,339,778 gives the same sequence; the c. name uses the placement nearest the transcript's 3' end. VCF-style (leftmost placement, unchanged base first): chr13-32339774-GAT-G. GRCh37 (hg19) VCF-style: chr13-32913911-GAT-G.
Other names: c.5422_5423delAT (NM_000059.3); short protein forms I1808fs.
Identifiers: ClinVar variation 141219 (VCV000141219.8), dbSNP rs587781585, ClinGen allele CA022295.

ClinVar aggregate classification (germline): Pathogenic. Review status: reviewed by expert panel (3 of 4 stars). 2 submissions from 2 submitters: Pathogenic (1). 1 of the submissions does not count toward it. Last evaluated 2016-09-08.

Conditions:
Hereditary cancer-predisposing syndrome. Also called: Neoplastic Syndromes, Hereditary; Hereditary Cancer Syndrome; Hereditary neoplastic syndrome; Tumor predisposition. Identifiers: Orphanet 140162, MedGen C0027672, MeSH D009386, MONDO:0015356.
Breast-ovarian cancer, familial, susceptibility to, 2 (BROVCA2). Also called: BRCA2 Hereditary Breast and Ovarian Cancer. Identifiers: Orphanet 145, MedGen C2675520, MONDO:0012933, OMIM 612555. Disease mechanism: loss of function.

Submissions (2):

Evidence-based Network for the Interpretation of Germline Mutant Alleles (ENIGMA)
Classification: Pathogenic for Breast-ovarian cancer, familial, susceptibility to, 2. Last evaluated: 2016-09-08. Review status: reviewed by expert panel. Criteria: ENIGMA BRCA1/2 Classification Criteria (2015). Collection method: curation. Allele origin: germline.
Comment: Variant allele predicted to encode a truncated non-functional protein.

Ambry Genetics
Classification: Pathogenic for Hereditary cancer-predisposing syndrome. Last evaluated: 2014-06-04. Review status: criteria provided, single submitter. Criteria: Ambry Variant Classification Scheme 2023. Collection method: clinical testing. Allele origin: germline. Not counted in ClinVar's aggregate classification.
Comment: The c.5422_5423delAT (also known as 5650delAT) pathogenic mutation, located in coding exon 10 of the BRCA2 gene, results from a deletion of 2 nucleotides between positions 5422 and 5423, causing a translational frameshift with a predicted alternate stop codon. Since frameshifts are typically deleterious in nature, this alteration is interpreted as a disease-causing mutation (ACMG Recommendations for Standards for Interpretation and Reporting of Sequence Variations. Revision 2007. Genet Med. 2008;10:294).